The following is an entry in ClinVar:

NM_005357.4(LIPE):c.3221G>C (p.Gly1074Ala)

Genes: LIPE (lipase E, hormone sensitive type; minus strand), LIPE-AS1 (LIPE antisense RNA 1; plus strand), LOC101930071 (uncharacterized LOC101930071; plus strand). Cytogenetic location: 19q13.2.
Variant type: single nucleotide variant.
Coding change: c.3221G>C on transcript NM_005357.4 (MANE Select); coding-DNA position 3221, G replaced by C.
Protein change: p.Gly1074Ala; replaces glycine 1074 with alanine.
Molecular consequence: missense variant.
Genome position (GRCh38, 1-based): chr19:42,401,822, C>G on the plus strand (G>C on the coding strand, the complement: LIPE is on the minus strand). VCF-style: chr19-42401822-C-G. GRCh37 (hg19) VCF-style: chr19-42905974-C-G.
Other names: c.3221G>C (NM_005357.3); c.2471G>C, p.Gly824Ala (NM_001416100.1); c.2456G>C, p.Gly819Ala (NM_001416101.1); c.2351G>C, p.Gly784Ala (NM_001416102.1); c.2318G>C, p.Gly773Ala (NM_001416103.1, NM_001416104.1); c.2228G>C, p.Gly743Ala (NM_001416105.1); c.2123G>C, p.Gly708Ala (NM_001416106.1); c.1634G>C, p.Gly545Ala (NM_001416107.1); and 1 more; short protein forms G1074A, G527A, G545A, G708A, G743A, G773A, G784A, G819A.
Identifiers: ClinVar variation 2650042 (VCV002650042.26), dbSNP rs201301144, ClinGen allele CA9476549.

ClinVar aggregate classification (germline): Likely benign. Review status: criteria provided, multiple submitters, no conflicts (2 of 4 stars). 3 submissions from 3 submitters: Likely benign (2). 1 of the submissions does not count toward it. Last evaluated 2024-11-11.

Conditions:
LIPE-related disorder. Also called: LIPE-related condition.

Allele frequency attached by ClinVar (database versions not stated): 1000 Genomes Project 0.00080; TOPMed 0.00194; gnomAD 0.00249; ExAC 0.01187.
gnomAD v4.1: 4,103 of 1,477,752 alleles (0.28%); highest among the groups gnomAD compares: Non-Finnish European, 0.3%; 8 homozygotes.

Submissions (3):

Blueprint Genetics
Classification: Likely benign. Last evaluated: 2024-11-11. Review status: criteria provided, single submitter. Criteria: ACMG Guidelines, 2015. Collection method: clinical testing. Allele origin: germline.

CeGaT Center for Human Genetics Tuebingen
Classification: Likely benign. Last evaluated: 2023-09-01. Review status: criteria provided, single submitter. Criteria: CeGaT Center For Human Genetics Tuebingen Variant Classification Criteria Version 2. Collection method: clinical testing. Allele origin: germline. Affected: yes. Observed: 1 variant allele.
Comment: LIPE: BS2

PreventionGenetics, part of Exact Sciences
Classification: Benign for LIPE-related condition. Last evaluated: 2024-04-17. Review status: no assertion criteria provided. Collection method: clinical testing. Allele origin: germline. Not counted in ClinVar's aggregate classification.
Comment: This variant is classified as benign based on ACMG/AMP sequence variant interpretation guidelines (Richards et al. 2015 PMID: 25741868, with internal and published modifications).